The following is an entry in ClinVar:

NM_000275.3(OCA2):c.646+1G>T

Gene: OCA2 (OCA2 melanosomal transmembrane protein; minus strand). Cytogenetic location: 15q13.1.
Variant type: single nucleotide variant.
Coding change: c.646+1G>T on transcript NM_000275.3 (MANE Select); the canonical splice donor site of the intron after coding-DNA position 646, G replaced by T.
Molecular consequence: splice donor variant.
Genome position (GRCh38, 1-based): chr15:28,022,500, C>A on the plus strand (G>T on the coding strand, the complement: OCA2 is on the minus strand). VCF-style: chr15-28022500-C-A. GRCh37 (hg19) VCF-style: chr15-28267646-C-A.
Other names: c.646+1G>T (NM_001300984.2).
Identifiers: ClinVar variation 1700024 (VCV001700024.1), dbSNP rs1046172334, ClinGen allele CA391366950.

ClinVar aggregate classification (germline): Pathogenic (1 of 4 stars; one submission).

Conditions:
Tyrosinase-positive oculocutaneous albinism (OCA2). Also called: ALBINISM II; Albinism, oculocutaneous, type II; Oculocutaneous albinism type 2. Identifiers: Orphanet 79432, MedGen C0268495, MONDO:0008746, OMIM 203200.

Submission:

Centre for Human Genetics, University of Kinshasa
Classification: Pathogenic for Tyrosinase-positive oculocutaneous albinism. Last evaluated: 2022-08-06. Review status: criteria provided, single submitter. Criteria: ACMG Guidelines, 2015. Collection method: clinical testing. Allele origin: germline. Inheritance: Autosomal recessive inheritance. Affected: yes. Observed: 3 variant alleles.
Comment: This sequence change replaces a Guanine with a Thymine at a canonical splice site. This variant is absent from population databases, including gnomAD. We identified this variant in a heterozygous state in 3 patients with Tyrosinase-positive oculocutaneous albinism in the Democratic Republic of Congo (DRC). All three patients were known to be heterozygous for the classic 2.7 deletion in the OCA2 gene. In one patient, segregation analysis showed that the variant was in trans to the deletion. Segregation analysis was not performed in the remaining 2 patients. This variant was classified as pathogenic according to the ACMG guidelines.